The following is an entry in ClinVar:

ClinVar aggregate classification (germline): Uncertain significance (0 of 4 stars; one submission).

Submission:

Greenwood Genetic Center Diagnostic Laboratories, Greenwood Genetic Center
Classification: Uncertain significance. Last evaluated: 2021-02-03. Review status: no assertion criteria provided. Collection method: clinical testing. Allele origin: germline. Affected: yes.
Comment: Gene of uncertain clinical significance

NM_005385.4(NKTR):c.3919G>A (p.Asp1307Asn)

Genes: NKTR (natural killer cell triggering receptor; plus strand), ZBTB47-AS1 (ZBTB47 and NKTR antisense RNA 1; minus strand). Cytogenetic location: 3p22.1.
Variant type: single nucleotide variant.
Coding change: c.3919G>A on transcript NM_005385.4 (MANE Select); coding-DNA position 3919, G replaced by A.
Protein change: p.Asp1307Asn; replaces aspartic acid 1307 with asparagine.
Molecular consequence: missense variant.
Genome position (GRCh38, 1-based): chr3:42,639,623, G>A. VCF-style: chr3-42639623-G-A. GRCh37 (hg19) VCF-style: chr3-42681115-G-A.
Other names: c.3919G>A, p.Asp1307Asn (NM_001349124.2); c.3160G>A, p.Asp1054Asn (NM_001349125.2); c.2815G>A, p.Asp939Asn (NM_001349126.2); short protein forms D1054N, D1307N, D939N.
Identifiers: ClinVar variation 1331682 (VCV001331682.4), dbSNP rs2125821372, ClinGen allele CA352269885.